The following is an entry in ClinVar:

ClinVar aggregate classification (germline): Benign/Likely benign. Review status: criteria provided, multiple submitters, no conflicts (2 of 4 stars). 3 submissions from 3 submitters: Benign (2); Likely benign (1). Last evaluated 2023-02-01.

Allele frequency attached by ClinVar (database versions not stated): TOPMed 0.00450; gnomAD 0.00452 and 0.00444; ESP Exome Variant Server 0.00661; 1000 Genomes Project 30x 0.00172; 1000 Genomes Project 0.00180; ExAC 0.00446.

Submissions (3):

CeGaT Center for Human Genetics Tuebingen
Classification: Likely benign. Last evaluated: 2023-02-01. Review status: criteria provided, single submitter. Criteria: CeGaT Center For Human Genetics Tuebingen Variant Classification Criteria Version 2. Collection method: clinical testing. Allele origin: germline. Affected: yes. Observed: 2 variant alleles.
Comment: SPPL2C: BP4, BP7, BS2

Labcorp Genetics (formerly Invitae), Labcorp
Classification: Benign. Last evaluated: 2018-02-22. Review status: criteria provided, single submitter. Criteria: Invitae Variant Classification Sherloc (09022015). Collection method: clinical testing. Allele origin: germline.

Breakthrough Genomics
Classification: Benign. Review status: criteria provided, single submitter. Criteria: ACMG Guidelines, 2015. Collection method: not provided. Allele origin: germline. Inheritance: Unknown mechanism. Affected: yes.

NM_175882.3(SPPL2C):c.1138C>T (p.Leu380=)

Genes: MAPT-AS1 (MAPT antisense RNA 1), SPPL2C (signal peptide peptidase like 2C). Cytogenetic location: 17q21.31.
Variant type: single nucleotide variant.
Coding change: c.1138C>T on transcript NM_175882.3 (MANE Select); coding-DNA position 1138, C replaced by T.
Protein change: p.Leu380=; no amino-acid change (leucine 380 retained).
Molecular consequence: synonymous variant.
Genome position (GRCh38, 1-based): chr17:45,846,044, C>T. VCF-style: chr17-45846044-C-T. GRCh37 (hg19) VCF-style: chr17-43923410-C-T.
Identifiers: ClinVar variation 713382 (VCV000713382.28), dbSNP rs150431364, ClinGen allele CA8617277.